The following is an entry in ClinVar:

NM_000540.3(RYR1):c.13484C>G (p.Pro4495Arg)

Gene: RYR1 (ryanodine receptor 1; plus strand). Cytogenetic location: 19q13.2.
Variant type: single nucleotide variant.
Coding change: c.13484C>G on transcript NM_000540.3 (MANE Select); coding-DNA position 13484, C replaced by G.
Protein change: p.Pro4495Arg; replaces proline 4495 with arginine.
Molecular consequence: missense variant.
Genome position (GRCh38, 1-based): chr19:38,566,957, C>G. VCF-style: chr19-38566957-C-G. GRCh37 (hg19) VCF-style: chr19-39057597-C-G.
Other names: c.13469C>G, p.Pro4490Arg (NM_001042723.2); short protein forms P4490R, P4495R.
Identifiers: ClinVar variation 2736481 (VCV002736481.5), dbSNP rs138929547, ClinGen allele CA080847.

ClinVar aggregate classification (germline): Uncertain significance. Review status: criteria provided, multiple submitters, no conflicts (2 of 4 stars). 3 submissions from 3 submitters: Uncertain significance (3). Last evaluated 2024-03-05.

Conditions:
Malignant hyperthermia, susceptibility to, 1 (MHS1). Also called: RYR1-Related Malignant Hyperthermia Susceptibility; Malignant hyperthermia suceptibility 1; Anesthesia related hyperthermia; Malignant hyperpyrexia; Fulminating hyperpyrexia; Pharmacogenic myopathy. Identifiers: Orphanet 423, MedGen C2930980, MONDO:0007783, OMIM 145600.
RYR1-related disorder. Also called: RYR1-related disorders; RYR1-related condition. Identifiers: MedGen CN239331.

gnomAD v4.1: 9 of 1,605,310 alleles (0.00056%); highest among the groups gnomAD compares: East Asian, 0.011%; no homozygotes.

Submissions (3):

All of Us Research Program, National Institutes of Health
Classification: Uncertain significance for Malignant hyperthermia, susceptibility to, 1. Last evaluated: 2024-03-05. Review status: criteria provided, single submitter. Criteria: ACMG Guidelines, 2015. Collection method: clinical testing. Allele origin: germline. Inheritance: Autosomal dominant inheritance. Observed: 2 variant alleles, 2 heterozygotes.
Comment: This missense variant replaces proline with arginine at codon 4495 of the RYR1 protein. Computational prediction suggests that this variant may not impact protein structure and function (internally defined REVEL score threshold <= 0.5, PMID: 27666373). To our knowledge, functional studies have not been reported for this variant. This variant has not been reported in individuals affected with RYR1-related disorders in the literature. This variant has been identified in 1/232162 chromosomes in the general population by the Genome Aggregation Database (gnomAD). The available evidence is insufficient to determine the role of this variant in disease conclusively. Therefore, this variant is classified as a Variant of Uncertain Significance.

This study involves interpretation of variants in research participants for the purpose of population health screening. Participant phenotype was not available at the time of variant classification. Additional details can be found in publication PMID: 35346344, PMCID: PMC8962531

Color Diagnostics, LLC DBA Color Health
Classification: Uncertain significance for Malignant hyperthermia, susceptibility to, 1. Last evaluated: 2024-02-02. Review status: criteria provided, single submitter. Criteria: ACMG Guidelines, 2015. Collection method: clinical testing. Allele origin: germline.
Comment: This missense variant replaces proline with arginine at codon 4495 of the RYR1 protein. Computational prediction suggests that this variant may not impact protein structure and function. To our knowledge, functional studies have not been reported for this variant. This variant has not been reported in individuals affected with RYR1-related disorders in the literature. This variant has been identified in 1/232162 chromosomes in the general population by the Genome Aggregation Database (gnomAD). The available evidence is insufficient to determine the role of this variant in disease conclusively. Therefore, this variant is classified as a Variant of Uncertain Significance.

Labcorp Genetics (formerly Invitae), Labcorp
Classification: Uncertain significance for RYR1-related disorder. Last evaluated: 2023-10-13. Review status: criteria provided, single submitter. Criteria: Invitae Variant Classification Sherloc (09022015). Collection method: clinical testing. Allele origin: germline.
Comment: This sequence change replaces proline, which is neutral and non-polar, with arginine, which is basic and polar, at codon 4495 of the RYR1 protein (p.Pro4495Arg). The frequency data for this variant in the population databases is considered unreliable, as metrics indicate poor data quality at this position in the gnomAD database. This missense change has been observed in individual(s) with clinical features of central core disease (Invitae). Advanced modeling of protein sequence and biophysical properties (such as structural, functional, and spatial information, amino acid conservation, physicochemical variation, residue mobility, and thermodynamic stability) has been performed at Invitae for this missense variant, however the output from this modeling did not meet the statistical confidence thresholds required to predict the impact of this variant on RYR1 protein function. In summary, the available evidence is currently insufficient to determine the role of this variant in disease. Therefore, it has been classified as a Variant of Uncertain Significance.